The following is an entry in ClinVar:

ClinVar aggregate classification (germline): Uncertain significance (1 of 4 stars; one submission).

Allele frequency attached by ClinVar (database versions not stated): gnomAD exomes below 0.00001.
gnomAD v4.1: 1 of 1,614,094 alleles (0.000062%); highest among the groups gnomAD compares: Admixed American, 0.0017%; no homozygotes.

Submission:

Labcorp Genetics (formerly Invitae), Labcorp
Classification: Uncertain significance. Last evaluated: 2022-10-18. Review status: criteria provided, single submitter. Criteria: Invitae Variant Classification Sherloc (09022015). Collection method: clinical testing. Allele origin: germline.
Comment: This sequence change replaces methionine, which is neutral and non-polar, with isoleucine, which is neutral and non-polar, at codon 542 of the SETBP1 protein (p.Met542Ile). The frequency data for this variant in the population databases is considered unreliable, as metrics indicate poor data quality at this position in the gnomAD database. This variant has not been reported in the literature in individuals affected with SETBP1-related conditions. ClinVar contains an entry for this variant (Variation ID: 1361094). Advanced modeling of protein sequence and biophysical properties (such as structural, functional, and spatial information, amino acid conservation, physicochemical variation, residue mobility, and thermodynamic stability) performed at Invitae indicates that this missense variant is not expected to disrupt SETBP1 protein function. In summary, the available evidence is currently insufficient to determine the role of this variant in disease. Therefore, it has been classified as a Variant of Uncertain Significance.

NM_015559.3(SETBP1):c.1626G>T (p.Met542Ile)

Gene: SETBP1 (SET binding protein 1; plus strand). Cytogenetic location: 18q12.3.
Variant type: single nucleotide variant.
Coding change: c.1626G>T on transcript NM_015559.3 (MANE Select); coding-DNA position 1626, G replaced by T.
Protein change: p.Met542Ile; replaces methionine 542 with isoleucine.
Molecular consequence: missense variant.
Genome position (GRCh38, 1-based): chr18:44,950,966, G>T. VCF-style: chr18-44950966-G-T. GRCh37 (hg19) VCF-style: chr18-42530931-G-T.
Other names: c.1626G>T, p.Met542Ile (NM_001379141.1, NM_001379142.1); short protein forms M542I.
Identifiers: ClinVar variation 1361094 (VCV001361094.6), dbSNP rs971847805, ClinGen allele CA402318931.